The following is an entry in ClinVar:

NM_006642.5(SDCCAG8):c.903T>C (p.His301=)

Gene: SDCCAG8 (SHH signaling and ciliogenesis regulator SDCCAG8; plus strand). Cytogenetic location: 1q43.
Variant type: single nucleotide variant.
Coding change: c.903T>C on transcript NM_006642.5 (MANE Select); coding-DNA position 903, T replaced by C.
Protein change: p.His301=; no amino-acid change (histidine 301 retained).
Molecular consequence: synonymous variant. On other transcripts: 5 prime UTR variant (3).
Genome position (GRCh38, 1-based): chr1:243,308,151, T>C. VCF-style: chr1-243308151-T-C. GRCh37 (hg19) VCF-style: chr1-243471453-T-C.
Other names: c.-1T>C (NM_001350246.2, NM_001350247.2, NM_001350251.2); c.999T>C, p.His333= (NM_001350248.2); c.609T>C, p.His203= (NM_001350249.2).
Identifiers: ClinVar variation 4988153 (VCV004988153.1).

ClinVar aggregate classification (germline): Likely benign (1 of 4 stars; one submission).

Conditions:
SDCCAG8-related disorder. Also called: SDCCAG8-related condition; SDCCAG8-Related Disorders.

gnomAD v4.1: 1 of 1,614,198 alleles (0.000062%); highest among the groups gnomAD compares: African/African-American, 0.0013%; no homozygotes.

Submission:

PreventionGenetics, part of Exact Sciences
Classification: Likely benign for SDCCAG8-related condition. Last evaluated: 2025-10-30. Review status: criteria provided, single submitter. Criteria: ACMG Guidelines, 2015. Collection method: clinical testing. Allele origin: germline.
Comment: This variant is classified as likely benign based on ACMG/AMP sequence variant interpretation guidelines (Richards et al. 2015 PMID: 25741868, with internal and published modifications).